The following is an entry in ClinVar:

ClinVar aggregate classification (germline): Uncertain significance. Review status: criteria provided, multiple submitters, no conflicts (2 of 4 stars). 3 submissions from 3 submitters: Uncertain significance (3). Last evaluated 2025-08-04.

Conditions:
Spastic paraplegia. Identifiers: MedGen C0037772, HP:0001258.
GJC2-related disorder. Also called: GJC2-related condition; GJC2-related disorders. Identifiers: MedGen CN230087.

gnomAD v4.1: 32 of 1,234,010 alleles (0.0026%); highest among the groups gnomAD compares: Middle Eastern, 0.23%; no homozygotes.

Submissions (3):

Labcorp Genetics (formerly Invitae), Labcorp
Classification: Uncertain significance for Spastic paraplegia. Last evaluated: 2025-08-04. Review status: criteria provided, single submitter. Criteria: Invitae Variant Classification Sherloc (09022015). Collection method: clinical testing. Allele origin: germline.
Comment: This sequence change replaces alanine, which is neutral and non-polar, with serine, which is neutral and polar, at codon 123 of the GJC2 protein (p.Ala123Ser). The frequency data for this variant in the population databases is considered unreliable, as metrics indicate insufficient coverage at this position in the gnomAD database. This variant has not been reported in the literature in individuals affected with GJC2-related conditions. ClinVar contains an entry for this variant (Variation ID: 3718346). Invitae Evidence Modeling of protein sequence and biophysical properties (such as structural, functional, and spatial information, amino acid conservation, physicochemical variation, residue mobility, and thermodynamic stability) has been performed for this missense variant. However, the output from this modeling did not meet the statistical confidence thresholds required to predict the impact of this variant on GJC2 protein function. In summary, the available evidence is currently insufficient to determine the role of this variant in disease. Therefore, it has been classified as a Variant of Uncertain Significance.

PreventionGenetics, part of Exact Sciences
Classification: Uncertain significance for GJC2-related condition. Last evaluated: 2025-01-23. Review status: criteria provided, single submitter. Criteria: ACMG Guidelines, 2015. Collection method: clinical testing. Allele origin: germline.
Comment: The GJC2 c.367G>T variant is predicted to result in the amino acid substitution p.Ala123Ser. To our knowledge, this variant has not been reported in the literature or a large population database (gnomAD). At this time, the clinical significance of this variant is uncertain due to the absence of conclusive functional and genetic evidence.

Blueprint Genetics
Classification: Uncertain significance. Last evaluated: 2022-03-21. Review status: criteria provided, single submitter. Criteria: ACMG Guidelines, 2015. Collection method: clinical testing. Allele origin: germline.

NM_020435.4(GJC2):c.367G>T (p.Ala123Ser)

Gene: GJC2 (gap junction protein gamma 2; plus strand). Cytogenetic location: 1q42.13.
Variant type: single nucleotide variant.
Coding change: c.367G>T on transcript NM_020435.4 (MANE Select); coding-DNA position 367, G replaced by T.
Protein change: p.Ala123Ser; replaces alanine 123 with serine.
Molecular consequence: missense variant.
Genome position (GRCh38, 1-based): chr1:228,158,125, G>T. VCF-style: chr1-228158125-G-T. GRCh37 (hg19) VCF-style: chr1-228345826-G-T.
Other names: c.367G>T (NM_020435.3); short protein forms A123S.
Identifiers: ClinVar variation 3718346 (VCV003718346.4).
Genomic context (GRCh38, chr1:228,158,125, plus strand): 5'-GCCCGTGCGTCTGAGCAGGAGCGGCGCCGCGCCCTCCGCCGCCGCCCGGGGCCACGCCGC[G>T]CGCCCCGAGCGCACCTGCCGCCCCCGCACGCCGGCTGGCCTGAGCCCGCCGACCTGGGCG-3'
Protein context (NP_065168.2, residues 113-133): ALRRRPGPRR[Ala123Ser]PRAHLPPPHA